The following is an entry in ClinVar:

NM_153006.3(NAGS):c.386C>G (p.Thr129Ser)

Gene: NAGS (N-acetylglutamate synthase; plus strand). Cytogenetic location: 17q21.31.
Variant type: single nucleotide variant.
Coding change: c.386C>G on transcript NM_153006.3 (MANE Select); coding-DNA position 386, C replaced by G.
Protein change: p.Thr129Ser; replaces threonine 129 with serine.
Molecular consequence: missense variant.
Genome position (GRCh38, 1-based): chr17:44,005,049, C>G. VCF-style: chr17-44005049-C-G. GRCh37 (hg19) VCF-style: chr17-42082417-C-G.
Other names: short protein forms T129S.
Identifiers: ClinVar variation 2044573 (VCV002044573.4), dbSNP rs758823626, ClinGen allele CA8595127.

ClinVar aggregate classification (germline): Uncertain significance. Review status: criteria provided, multiple submitters, no conflicts (2 of 4 stars). 2 submissions from 2 submitters: Uncertain significance (2). Last evaluated 2026-02-01.

Conditions:
Hyperammonemia, type III (NAGSD). Also called: Hyperammonemia due to N-acetylglutamate synthase deficiency. Identifiers: Orphanet 927, MedGen C0268543, MONDO:0009377, OMIM 237310.

Allele frequency attached by ClinVar (database versions not stated): gnomAD 0.00008; gnomAD exomes 0.00010; TOPMed 0.00012; ExAC 0.00039.
gnomAD v4.1: 154 of 1,572,412 alleles (0.0098%); highest among the groups gnomAD compares: Middle Eastern, 0.13%; no homozygotes.

Submissions (2):

Labcorp Genetics (formerly Invitae), Labcorp
Classification: Uncertain significance for Hyperammonemia, type III. Last evaluated: 2026-02-01. Review status: criteria provided, single submitter. Criteria: Invitae Variant Classification Sherloc (09022015). Collection method: clinical testing. Allele origin: germline.
Comment: This sequence change replaces threonine, which is neutral and polar, with serine, which is neutral and polar, at codon 129 of the NAGS protein (p.Thr129Ser). This variant is present in population databases (rs758823626, gnomAD 0.07%). This variant has not been reported in the literature in individuals affected with NAGS-related conditions. ClinVar contains an entry for this variant (Variation ID: 2044573). Invitae Evidence Modeling of protein sequence and biophysical properties (such as structural, functional, and spatial information, amino acid conservation, physicochemical variation, residue mobility, and thermodynamic stability) indicates that this missense variant is not expected to disrupt NAGS protein function with a negative predictive value of 80%. In summary, the available evidence is currently insufficient to determine the role of this variant in disease. Therefore, it has been classified as a Variant of Uncertain Significance.

Revvity Omics, Revvity
Classification: Uncertain significance for Hyperammonemia, type III. Last evaluated: 2023-04-06. Review status: criteria provided, single submitter. Criteria: ACMG Guidelines, 2015. Collection method: clinical testing. Allele origin: germline.